The following is an entry in ClinVar:

ClinVar aggregate classification (germline): Likely benign. Review status: criteria provided, single submitter (1 of 4 stars). 2 submissions from 2 submitters: Likely benign (1). 1 of the submissions does not count toward it. Last evaluated 2025-07-06.

Conditions:
PROC-related disorder. Also called: PROC-related condition.
Thrombophilia due to protein C deficiency, autosomal dominant. Also called: PROC DEFICIENCY, AUTOSOMAL DOMINANT; PROTEIN C DEFICIENCY, AUTOSOMAL DOMINANT. Identifiers: Orphanet 745, MedGen C2674321, MONDO:0008316, OMIM 176860. Disease mechanism: loss of function.

Allele frequency attached by ClinVar (database versions not stated): ExAC 0.00001; gnomAD exomes 0.00002; TOPMed 0.00014; ESP Exome Variant Server 0.00015; gnomAD 0.00015.

Submissions (2):

Labcorp Genetics (formerly Invitae), Labcorp
Classification: Likely benign for Thrombophilia due to protein C deficiency, autosomal dominant. Last evaluated: 2025-07-06. Review status: criteria provided, single submitter. Criteria: Invitae Variant Classification Sherloc (09022015). Collection method: clinical testing. Allele origin: germline.

PreventionGenetics, part of Exact Sciences
Classification: Likely benign for PROC-related condition. Last evaluated: 2023-09-08. Review status: no assertion criteria provided. Collection method: clinical testing. Allele origin: germline. Not counted in ClinVar's aggregate classification.
Comment: This variant is classified as likely benign based on ACMG/AMP sequence variant interpretation guidelines (Richards et al. 2015 PMID: 25741868, with internal and published modifications).

NM_000312.4(PROC):c.1179C>T (p.Asp393=)

Gene: PROC (protein C, inactivator of coagulation factors Va and VIIIa; plus strand). Cytogenetic location: 2q14.3.
Variant type: single nucleotide variant.
Coding change: c.1179C>T on transcript NM_000312.4 (MANE Select); coding-DNA position 1179, C replaced by T.
Protein change: p.Asp393=; no amino-acid change (aspartic acid 393 retained).
Molecular consequence: synonymous variant.
Genome position (GRCh38, 1-based): chr2:127,428,739, C>T. VCF-style: chr2-127428739-C-T. GRCh37 (hg19) VCF-style: chr2-128186315-C-T.
Other names: c.1362C>T, p.Asp454= (NM_001375602.1); c.1344C>T, p.Asp448= (NM_001375603.1); c.1242C>T, p.Asp414= (NM_001375604.1); c.1281C>T, p.Asp427= (NM_001375605.1); c.1347C>T, p.Asp449= (NM_001375606.1); c.1365C>T, p.Asp455= (NM_001375607.1); c.1122C>T, p.Asp374= (NM_001375608.1); c.1155C>T, p.Asp385= (NM_001375609.1); and 2 more.
Identifiers: ClinVar variation 1911290 (VCV001911290.7), dbSNP rs148035465, ClinGen allele CA1859538.